The following is an entry in ClinVar:

ClinVar aggregate classification (germline): Uncertain significance (1 of 4 stars; one submission).

Conditions:
Charcot-Marie-Tooth disease axonal type 2O. Also called: CHARCOT-MARIE-TOOTH NEUROPATHY, AXONAL, TYPE 2O; CHARCOT-MARIE-TOOTH DISEASE, AXONAL, AUTOSOMAL DOMINANT, TYPE 2O; Charcot-Marie-Tooth Neuropathy Type 2O; Charcot-Marie-Tooth disease, axonal, type 20. Identifiers: Orphanet 284232, MedGen C3280220, MONDO:0013644, OMIM 614228.

Submission:

Labcorp Genetics (formerly Invitae), Labcorp
Classification: Uncertain significance for Charcot-Marie-Tooth disease axonal type 2O. Last evaluated: 2023-11-27. Review status: criteria provided, single submitter. Criteria: Invitae Variant Classification Sherloc (09022015). Collection method: clinical testing. Allele origin: germline.
Comment: This sequence change replaces serine, which is neutral and polar, with alanine, which is neutral and non-polar, at codon 4090 of the DYNC1H1 protein (p.Ser4090Ala). This variant is not present in population databases (gnomAD no frequency). This variant has not been reported in the literature in individuals affected with DYNC1H1-related conditions. Advanced modeling of protein sequence and biophysical properties (such as structural, functional, and spatial information, amino acid conservation, physicochemical variation, residue mobility, and thermodynamic stability) performed at Invitae indicates that this missense variant is not expected to disrupt DYNC1H1 protein function with a negative predictive value of 95%. In summary, the available evidence is currently insufficient to determine the role of this variant in disease. Therefore, it has been classified as a Variant of Uncertain Significance.

NM_001376.5(DYNC1H1):c.12268T>G (p.Ser4090Ala)

Gene: DYNC1H1 (dynein cytoplasmic 1 heavy chain 1; plus strand). Cytogenetic location: 14q32.31.
Variant type: single nucleotide variant.
Coding change: c.12268T>G on transcript NM_001376.5 (MANE Select); coding-DNA position 12268, T replaced by G.
Protein change: p.Ser4090Ala; replaces serine 4090 with alanine.
Molecular consequence: missense variant.
Genome position (GRCh38, 1-based): chr14:102,042,281, T>G. VCF-style: chr14-102042281-T-G. GRCh37 (hg19) VCF-style: chr14-102508618-T-G.
Other names: short protein forms S4090A.
Identifiers: ClinVar variation 2787234 (VCV002787234.3), dbSNP rs2503858473, ClinGen allele CA391040396.